The following is an entry in ClinVar:

ClinVar aggregate classification (germline): Likely benign. Review status: criteria provided, multiple submitters, no conflicts (2 of 4 stars). 2 submissions from 2 submitters: Likely benign (2). Last evaluated 2024-12-01.

gnomAD v4.1: 21 of 1,613,968 alleles (0.0013%); highest among the groups gnomAD compares: African/African-American, 0.0027%; no homozygotes.

Submissions (2):

CeGaT Center for Human Genetics Tuebingen
Classification: Likely benign. Last evaluated: 2024-12-01. Review status: criteria provided, single submitter. Criteria: CeGaT Center For Human Genetics Tuebingen Variant Classification Criteria Version 2. Collection method: clinical testing. Allele origin: germline. Affected: yes. Observed: 1 variant allele.
Comment: USP7: BP4, BP7

Labcorp Genetics (formerly Invitae), Labcorp
Classification: Likely benign. Last evaluated: 2024-03-16. Review status: criteria provided, single submitter. Criteria: Invitae Variant Classification Sherloc (09022015). Collection method: clinical testing. Allele origin: germline.

NM_003470.3(USP7):c.1119C>T (p.Leu373=)

Gene: USP7 (ubiquitin specific peptidase 7; minus strand). Cytogenetic location: 16p13.2.
Variant type: single nucleotide variant.
Coding change: c.1119C>T on transcript NM_003470.3 (MANE Select); coding-DNA position 1119, C replaced by T.
Protein change: p.Leu373=; no amino-acid change (leucine 373 retained).
Molecular consequence: synonymous variant. On other transcripts: non-coding transcript variant (1).
Genome position (GRCh38, 1-based): chr16:8,910,787, G>A on the plus strand (C>T on the coding strand, the complement: USP7 is on the minus strand). VCF-style: chr16-8910787-G-A. GRCh37 (hg19) VCF-style: chr16-9004644-G-A.
Other names: c.1071C>T, p.Leu357= (NM_001286457.2); c.822C>T, p.Leu274= (NM_001286458.2); c.945C>T, p.Leu315= (NM_001321858.2).
Identifiers: ClinVar variation 3665218 (VCV003665218.15).